The following is an entry in ClinVar:

NM_173477.5(USH1G):c.1152C>T (p.Asp384=)

Gene: USH1G (USH1 protein network component sans; minus strand). Cytogenetic location: 17q25.1.
Variant type: single nucleotide variant.
Coding change: c.1152C>T on transcript NM_173477.5 (MANE Select); coding-DNA position 1152, C replaced by T.
Protein change: p.Asp384=; no amino-acid change (aspartic acid 384 retained).
Molecular consequence: synonymous variant.
Genome position (GRCh38, 1-based): chr17:74,919,684, G>A on the plus strand (C>T on the coding strand, the complement: USH1G is on the minus strand). VCF-style: chr17-74919684-G-A. GRCh37 (hg19) VCF-style: chr17-72915779-G-A.
Other names: c.843C>T, p.Asp281= (NM_001282489.3).
Identifiers: ClinVar variation 178968 (VCV000178968.18), dbSNP rs569032124, ClinGen allele CA183405.

ClinVar aggregate classification (germline): Conflicting classifications of pathogenicity. Review status: criteria provided, conflicting classifications (1 of 4 stars). 4 submissions from 4 submitters: Uncertain significance (1); Likely benign (3). Last evaluated 2025-08-21.

Conditions:
Usher syndrome type 1G. Also called: USHER SYNDROME, TYPE IG, MILD. Identifiers: Orphanet 231169, Orphanet 886, MedGen C1847089, MONDO:0011748, OMIM 606943.

Allele frequency attached by ClinVar (database versions not stated): gnomAD 0.00002 and 0.00008; TOPMed 0.00002; gnomAD exomes 0.00012 and 0.00023; ExAC 0.00021; 1000 Genomes Project 30x 0.00031; 1000 Genomes Project 0.00040.

Submissions (4):

Labcorp Genetics (formerly Invitae), Labcorp
Classification: Likely benign. Last evaluated: 2025-08-21. Review status: criteria provided, single submitter. Criteria: Invitae Variant Classification Sherloc (09022015). Collection method: clinical testing. Allele origin: germline.

Blueprint Genetics
Classification: Likely benign. Last evaluated: 2024-11-22. Review status: criteria provided, single submitter. Criteria: ACMG Guidelines, 2015. Collection method: clinical testing. Allele origin: germline.

Illumina Laboratory Services, Illumina
Classification: Uncertain significance for Usher syndrome type 1G. Last evaluated: 2018-01-13. Review status: criteria provided, single submitter. Criteria: ICSL Variant Classification Criteria 13 December 2019. Collection method: clinical testing. Allele origin: germline.

Laboratory for Molecular Medicine, Mass General Brigham Personalized Medicine
Classification: Likely benign. Last evaluated: 2013-05-31. Review status: criteria provided, single submitter. Criteria: LMM Criteria. Collection method: clinical testing. Allele origin: germline. Observed: 1 variant allele.
Comment: Asp384Asp in exon 2 of USH1G: This variant is not expected to have clinical sign ificance because it does not alter an amino acid residue, is not located within the splice consensus sequence and has been reported as a "probably neutral" vari ant (Le Quesne Stabej 2012).

Literature cited by the submitters: PubMed 22135276 (cited by Laboratory for Molecular Medicine, Mass General Brigham Personalized Medicine).